The following is an entry in ClinVar:

ClinVar aggregate classification (germline): Uncertain significance (1 of 4 stars; one submission).

Conditions:
Hereditary cancer-predisposing syndrome. Also called: Neoplastic Syndromes, Hereditary; Tumor predisposition; Hereditary neoplastic syndrome; Hereditary Cancer Syndrome. Identifiers: Orphanet 140162, MedGen C0027672, MeSH D009386, MONDO:0015356.

Submission:

Ambry Genetics
Classification: Uncertain significance for Hereditary cancer-predisposing syndrome. Last evaluated: 2026-06-29. Review status: criteria provided, single submitter. Criteria: Ambry Variant Classification Scheme 2023. Collection method: clinical testing. Allele origin: germline.
Comment: The p.L1408I variant (also known as c.4222C>A), located in coding exon 27 of the ATM gene, results from a C to A substitution at nucleotide position 4222. The leucine at codon 1408 is replaced by isoleucine, an amino acid with highly similar properties. In an assay testing ATM function, this variant showed a functionally normal result (Lee KS et al. Cell, 2025 Sep;188:5081-5099.e27). This amino acid position is highly conserved in available vertebrate species. In addition, the in silico prediction for this alteration is inconclusive. Based on the available evidence, the clinical significance of this variant remains unclear.

Literature cited by the submitters: PubMed 40580951.

NM_000051.4(ATM):c.4222C>A (p.Leu1408Ile)

Gene: ATM (ATM serine/threonine kinase; plus strand). Cytogenetic location: 11q22.3.
Variant type: single nucleotide variant.
Coding change: c.4222C>A on transcript NM_000051.4 (MANE Select); coding-DNA position 4222, C replaced by A.
Protein change: p.Leu1408Ile; replaces leucine 1408 with isoleucine.
Molecular consequence: missense variant.
Genome position (GRCh38, 1-based): chr11:108,289,089, C>A. VCF-style: chr11-108289089-C-A. GRCh37 (hg19) VCF-style: chr11-108159816-C-A.
Other names: c.4222C>A, p.Leu1408Ile (NM_001351834.2); short protein forms L1408I.
Identifiers: ClinVar variation 5031345 (VCV005031345.1).
Genomic context (GRCh38, chr11:108,289,089, plus strand): 5'-GCAACATTTGCCTATATCAGCAATTGTCATAAAACCAAGTTAAAAAGCATTTTAGAAATT[C>A]TTTCCAAAAGCCCTGTAAGTATACATGATGAGTTTAATAATAGAACATTCCTTCTTTTTT-3'
Protein context (NP_000042.3, residues 1398-1418): KTKLKSILEI[Leu1408Ile]SKSPDSYQKI